The following is an entry in ClinVar:

NM_006979.3(SLC39A7):c.50C>A (p.Thr17Asn)

Gene: SLC39A7 (solute carrier family 39 member 7; plus strand). Cytogenetic location: 6p21.32.
Variant type: single nucleotide variant.
Coding change: c.50C>A on transcript NM_006979.3 (MANE Select); coding-DNA position 50, C replaced by A.
Protein change: p.Thr17Asn; replaces threonine 17 with asparagine.
Molecular consequence: missense variant. On other transcripts: 5 prime UTR variant (1).
Genome position (GRCh38, 1-based): chr6:33,201,295, C>A. VCF-style: chr6-33201295-C-A. GRCh37 (hg19) VCF-style: chr6-33169072-C-A.
Other names: c.50C>A, p.Thr17Asn (NM_001077516.2); c.-42C>A (NM_001288777.2); short protein forms T17N.
Identifiers: ClinVar variation 2183798 (VCV002183798.3), dbSNP rs367852903, ClinGen allele CA3752190.
Genomic context (GRCh38, chr6:33,201,295, plus strand): 5'-TGGTCAGCGTGATGGCCAGAGGCCTGGGGGCCCCCCACTGGGTGGCCGTGGGACTGCTGA[C>A]CTGGGCGACCTTGGGGCTTCTGGTGGCTGGACTCGGGGGTCATGACGACCTGCACGACGA-3'
Protein context (NP_008910.2, residues 7-27): APHWVAVGLL[Thr17Asn]WATLGLLVAG

ClinVar aggregate classification (germline): Uncertain significance (1 of 4 stars; one submission).

Allele frequency attached by ClinVar (database versions not stated): gnomAD exomes below 0.00001; gnomAD 0.00001; TOPMed 0.00002; ExAC 0.00003; ESP Exome Variant Server 0.00008.

Submission:

Labcorp Genetics (formerly Invitae), Labcorp
Classification: Uncertain significance. Last evaluated: 2022-04-13. Review status: criteria provided, single submitter. Criteria: Invitae Variant Classification Sherloc (09022015). Collection method: clinical testing. Allele origin: germline.
Comment: In summary, the available evidence is currently insufficient to determine the role of this variant in disease. Therefore, it has been classified as a Variant of Uncertain Significance. Algorithms developed to predict the effect of missense changes on protein structure and function (SIFT, PolyPhen-2, Align-GVGD) all suggest that this variant is likely to be tolerated. This variant has not been reported in the literature in individuals affected with SLC39A7-related conditions. This variant is present in population databases (rs367852903, gnomAD 0.004%). This sequence change replaces threonine, which is neutral and polar, with asparagine, which is neutral and polar, at codon 17 of the SLC39A7 protein (p.Thr17Asn).